The following is an entry in ClinVar:

NM_000257.4(MYH7):c.3245+2T>G

Gene: MYH7 (myosin heavy chain 7; minus strand). Cytogenetic location: 14q11.2.
Variant type: single nucleotide variant.
Coding change: c.3245+2T>G on transcript NM_000257.4 (MANE Select); the canonical splice donor site of the intron after coding-DNA position 3245, T replaced by G.
Molecular consequence: splice donor variant.
Genome position (GRCh38, 1-based): chr14:23,422,178, A>C on the plus strand (T>G on the coding strand, the complement: MYH7 is on the minus strand). VCF-style: chr14-23422178-A-C. GRCh37 (hg19) VCF-style: chr14-23891387-A-C.
Other names: c.3245+2T>G (NM_001407004.1).
Identifiers: ClinVar variation 987797 (VCV000987797.11), dbSNP rs113859723, ClinGen allele CA389045050.

ClinVar aggregate classification (germline): Uncertain significance. Review status: criteria provided, multiple submitters, no conflicts (2 of 4 stars). 7 submissions from 7 submitters: Uncertain significance (7). Last evaluated 2025-01-07.

Conditions:
MYH7-related disorder. Also called: MYH7-related disorders; MYH7-related condition; MYH7-related disease.
Congenital myopathy with fiber type disproportion. Also called: Congenital fiber-type disproportion myopathy; Congenital fiber-type disproportion. Identifiers: Orphanet 2020, MedGen C0546264, MONDO:0009711. Inheritance: all.
MYH7-related skeletal myopathy. Also called: MYOPATHY, DISTAL, EARLY-ONSET, AUTOSOMAL DOMINANT; MYOPATHY, LATE DISTAL HEREDITARY; Laing early-onset distal myopathy; Myopathy, distal, 1; Laing distal myopathy. Identifiers: Orphanet 59135, MedGen C4552004, MONDO:0008050, OMIM 160500.
Dilated cardiomyopathy 1S (CMD1S). Identifiers: Orphanet 154, Orphanet 54260, MedGen C1834481, MONDO:0013262, OMIM 613426.
Myosin storage myopathy (CMYO7A). Also called: MYOPATHY WITH LYSIS OF TYPE I MYOFIBRILS; MYH7-related late-onset scapuloperoneal muscular dystrophy; Congenital myopathy 7A, myosin storage, autosomal dominant; MYOPATHY, HYALINE BODY, AUTOSOMAL DOMINANT; Scapuloperoneal myopathy, MYH7-related; SCAPULOPERONEAL MUSCULAR DYSTROPHY. Identifiers: Orphanet 437572, Orphanet 636965, MedGen C1842160, MONDO:0008409, OMIM 608358.
Hypertrophic cardiomyopathy 1 (CMH1). Also called: Familial hypertrophic cardiomyopathy 1; MYH7-Related Familial Hypertrophic Cardiomyopathy. Identifiers: MedGen C3495498, MONDO:0008647, OMIM 192600.
Myopathy, myosin storage, autosomal recessive (CMYO7B). Also called: CONGENITAL MYOPATHY 7B, MYOSIN STORAGE, AUTOSOMAL RECESSIVE. Identifiers: Orphanet 636970, MedGen C1850709, MONDO:0009708, OMIM 255160.
Hypertrophic cardiomyopathy. Also called: HYPERTROPHIC MYOCARDIOPATHY. Identifiers: Orphanet 217569, MedGen C0007194, MeSH D002312, MONDO:0005045, HP:0001639.
Cardiovascular phenotype. Identifiers: MedGen CN230736.
Cardiomyopathy (CMYO). Also called: Cardiomyopathies. Identifiers: Orphanet 167848, MedGen C0878544, MONDO:0004994, HP:0001638. Inheritance: Various modes of inheritance.

Allele frequency attached by ClinVar (database versions not stated): gnomAD exomes below 0.00001; TOPMed below 0.00001; gnomAD 0.00001.
gnomAD v4.1: 34 of 1,612,582 alleles (0.0021%); highest among the groups gnomAD compares: Non-Finnish European, 0.0029%; no homozygotes.

Submissions (7):

PreventionGenetics, part of Exact Sciences
Classification: Uncertain significance for MYH7-related condition. Last evaluated: 2025-01-07. Review status: criteria provided, single submitter. Criteria: ACMG Guidelines, 2015. Collection method: clinical testing. Allele origin: germline.
Comment: The MYH7 c.3245+2T>G variant is predicted to disrupt the GT donor site and interfere with normal splicing. To our knowledge, this variant has not been reported in the literature in individuals with disease. This variant is present in 0.00088% of alleles in individuals of European (Non-Finnish) descent in gnomAD. Loss of function variants in MYH7 are not an established mechanism of disease. Although we suspect that this variant may be pathogenic, at this time, the clinical significance of this variant is uncertain due to the absence of conclusive functional and genetic evidence.

Labcorp Genetics (formerly Invitae), Labcorp
Classification: Uncertain significance for Hypertrophic cardiomyopathy. Last evaluated: 2024-09-07. Review status: criteria provided, single submitter. Criteria: Invitae Variant Classification Sherloc (09022015). Collection method: clinical testing. Allele origin: germline.
Comment: This sequence change affects a donor splice site in intron 25 of the MYH7 gene. It is expected to disrupt RNA splicing. Variants that disrupt the donor or acceptor splice site typically lead to a loss of protein function (PMID: 16199547), however the current clinical and genetic evidence is not sufficient to establish whether loss-of-function variants in MYH7 cause disease. This variant is present in population databases (no rsID available, gnomAD 0.0009%). This variant has not been reported in the literature in individuals affected with MYH7-related conditions. ClinVar contains an entry for this variant (Variation ID: 987797). Algorithms developed to predict the effect of sequence changes on RNA splicing suggest that this variant may disrupt the consensus splice site. In summary, the available evidence is currently insufficient to determine the role of this variant in disease. Therefore, it has been classified as a Variant of Uncertain Significance.

Ambry Genetics
Classification: Uncertain significance for Cardiovascular phenotype. Last evaluated: 2024-04-25. Review status: criteria provided, single submitter. Criteria: Ambry Variant Classification Scheme 2023. Collection method: clinical testing. Allele origin: germline.
Comment: The c.3245+2T>G intronic variant results from a T to G substitution two nucleotides after coding exon 23 in the MYH7 gene. This nucleotide position is highly conserved in available vertebrate species. In silico splice site analysis predicts that this alteration will weaken the native splice donor site. Alterations that disrupt the canonical splice site are expected to cause aberrant splicing, resulting in an abnormal protein or a transcript that is subject to nonsense-mediated mRNA decay. However, loss of function of MYH7 has not been established as a mechanism of disease. Based on the available evidence, the clinical significance of this alteration remains unclear.

All of Us Research Program, National Institutes of Health
Classification: Uncertain significance for Cardiomyopathy. Last evaluated: 2023-06-28. Review status: criteria provided, single submitter. Criteria: ACMG Guidelines, 2015. Collection method: clinical testing. Allele origin: germline. Inheritance: Autosomal dominant inheritance. Observed: 1 variant allele, 1 heterozygote.
Comment: This study involves interpretation of variants in research participants for the purpose of population health screening. Participant phenotype was not available at the time of variant classification. Additional details can be found in publication PMID: 35346344, PMCID: PMC8962531

CHEO Genetics Diagnostic Laboratory, Children's Hospital of Eastern Ontario
Classification: Uncertain significance for Cardiomyopathy. Last evaluated: 2022-11-04. Review status: criteria provided, single submitter. Criteria: ACMG Guidelines, 2015. Collection method: clinical testing. Allele origin: germline.

Fulgent Genetics
Classification: Uncertain significance for MYH7-related skeletal myopathy; Myosin storage myopathy; Hypertrophic cardiomyopathy 1; Myopathy, myosin storage, autosomal recessive; Congenital myopathy 4A, autosomal dominant; Dilated cardiomyopathy 1S. Last evaluated: 2021-12-20. Review status: criteria provided, single submitter. Criteria: ACMG Guidelines, 2015. Collection method: clinical testing. Allele origin: unknown.

Women's Health and Genetics/Laboratory Corporation of America, LabCorp
Classification: Uncertain significance. Last evaluated: 2020-11-02. Review status: criteria provided, single submitter. Criteria: LabCorp Variant Classification Summary - May 2015. Collection method: clinical testing. Allele origin: germline.
Comment: Variant summary: MYH7 c.3245+2T>G is located in a canonical splice-site and is predicted to affect mRNA splicing resulting in a significantly altered protein due to either exon skipping, shortening, or inclusion of intronic material. One computational tool predicts the variant abolishes a 5' splicing donor site. However, these predictions have yet to be confirmed by functional studies. In addition, the potentially skipped exon 40 is the last exon and only encodes 5 amnio acids, thus impact of the variant on the protein function could be limited. The variant allele was found at a frequency of 4e-06 in 251394 control chromosomes. The available data on variant occurrences in the general population are insufficient to allow any conclusion about variant significance. To our knowledge, no occurrence of c.3245+2T>G in individuals affected with Cardiomyopathy and no experimental evidence demonstrating its impact on protein function have been reported. Co-occurrences with a pathogenic variant has been reported (MYBPC3 c.2905+1G>A), providing supporting evidence for a benign role. One clinical diagnostic laboratory has submitted clinical-significance assessments for this variant to ClinVar after 2014 without evidence for independent evaluation and classified the variant as uncertain significance. Based on the evidence outlined above, the variant was classified as uncertain significance.

Literature cited by the submitters: PubMed 16199547 (cited by Labcorp Genetics (formerly Invitae), Labcorp).